The following is an entry in ClinVar:

NM_002439.5(MSH3):c.2443A>G (p.Ser815Gly)

Gene: MSH3 (mutS homolog 3; plus strand). Cytogenetic location: 5q14.1.
Variant type: single nucleotide variant.
Coding change: c.2443A>G on transcript NM_002439.5 (MANE Select); coding-DNA position 2443, A replaced by G.
Protein change: p.Ser815Gly; replaces serine 815 with glycine.
Molecular consequence: missense variant.
Genome position (GRCh38, 1-based): chr5:80,787,572, A>G. VCF-style: chr5-80787572-A-G. GRCh37 (hg19) VCF-style: chr5-80083391-A-G.
Other names: short protein forms S815G.
Identifiers: ClinVar variation 1791357 (VCV001791357.7), dbSNP rs2112020153, ClinGen allele CA360282950.

ClinVar aggregate classification (germline): Uncertain significance. Review status: criteria provided, multiple submitters, no conflicts (2 of 4 stars). 2 submissions from 2 submitters: Uncertain significance (2). Last evaluated 2025-08-03.

Conditions:
Hereditary cancer-predisposing syndrome. Also called: Hereditary Cancer Syndrome; Hereditary neoplastic syndrome; Tumor predisposition; Neoplastic Syndromes, Hereditary. Identifiers: Orphanet 140162, MedGen C0027672, MeSH D009386, MONDO:0015356.

Submissions (2):

Labcorp Genetics (formerly Invitae), Labcorp
Classification: Uncertain significance. Last evaluated: 2025-08-03. Review status: criteria provided, single submitter. Criteria: Invitae Variant Classification Sherloc (09022015). Collection method: clinical testing. Allele origin: germline.
Comment: This sequence change replaces serine, which is neutral and polar, with glycine, which is neutral and non-polar, at codon 815 of the MSH3 protein (p.Ser815Gly). This variant is not present in population databases (gnomAD no frequency). This variant has not been reported in the literature in individuals affected with MSH3-related conditions. ClinVar contains an entry for this variant (Variation ID: 1791357). An algorithm developed to predict the effect of missense changes on protein structure and function outputs the following: PolyPhen-2: "Benign". The glycine amino acid residue is found in multiple mammalian species, which suggests that this missense change does not adversely affect protein function. In summary, the available evidence is currently insufficient to determine the role of this variant in disease. Therefore, it has been classified as a Variant of Uncertain Significance.

Ambry Genetics
Classification: Uncertain significance for Hereditary cancer-predisposing syndrome. Last evaluated: 2022-09-03. Review status: criteria provided, single submitter. Criteria: Ambry Variant Classification Scheme 2023. Collection method: clinical testing. Allele origin: germline.
Comment: The p.S815G variant (also known as c.2443A>G), located in coding exon 18 of the MSH3 gene, results from an A to G substitution at nucleotide position 2443. The serine at codon 815 is replaced by glycine, an amino acid with similar properties. This amino acid position is conserved. In addition, this alteration is predicted to be tolerated by in silico analysis. Since supporting evidence is limited at this time, the clinical significance of this alteration remains unclear.